The following is an entry in ClinVar:

ClinVar aggregate classification (germline): Uncertain significance (1 of 4 stars; one submission).

Conditions:
Trichorhinophalangeal syndrome, type III (TRPS3). Also called: SUGIO-KAJII SYNDROME. Identifiers: Orphanet 77258, MedGen C1860823, OMIM 190351, MONDO:0008597.
Trichorhinophalangeal dysplasia type I (TRPS1). Also called: TRICHORHINOPHALANGEAL SYNDROME, TYPE I; TRPS I. Identifiers: Orphanet 77258, MedGen C0432233, MONDO:0008596, OMIM 190350.

Allele frequency attached by ClinVar (database versions not stated): ExAC 0.00001; gnomAD exomes 0.00001.
gnomAD v4.1: 5 of 1,614,032 alleles (0.00031%); highest among the groups gnomAD compares: South Asian, 0.0044%; no homozygotes.

Submission:

Labcorp Genetics (formerly Invitae), Labcorp
Classification: Uncertain significance for Trichorhinophalangeal syndrome, type III; Trichorhinophalangeal dysplasia type I. Last evaluated: 2023-04-12. Review status: criteria provided, single submitter. Criteria: Invitae Variant Classification Sherloc (09022015). Collection method: clinical testing. Allele origin: germline.
Comment: This sequence change replaces valine, which is neutral and non-polar, with phenylalanine, which is neutral and non-polar, at codon 384 of the TRPS1 protein (p.Val384Phe). This variant is present in population databases (rs749563528, gnomAD 0.003%). This variant has not been reported in the literature in individuals affected with TRPS1-related conditions. Advanced modeling of protein sequence and biophysical properties (such as structural, functional, and spatial information, amino acid conservation, physicochemical variation, residue mobility, and thermodynamic stability) performed at Invitae indicates that this missense variant is not expected to disrupt TRPS1 protein function. In summary, the available evidence is currently insufficient to determine the role of this variant in disease. Therefore, it has been classified as a Variant of Uncertain Significance.

NM_014112.5(TRPS1):c.1150G>T (p.Val384Phe)

Gene: TRPS1 (transcriptional repressor GATA binding 1; minus strand). Cytogenetic location: 8q23.3.
Variant type: single nucleotide variant.
Coding change: c.1150G>T on transcript NM_014112.5 (MANE Select); coding-DNA position 1150, G replaced by T.
Protein change: p.Val384Phe; replaces valine 384 with phenylalanine.
Molecular consequence: missense variant.
Genome position (GRCh38, 1-based): chr8:115,604,819, C>A on the plus strand (G>T on the coding strand, the complement: TRPS1 is on the minus strand). VCF-style: chr8-115604819-C-A. GRCh37 (hg19) VCF-style: chr8-116617046-C-A.
Other names: c.1123G>T, p.Val375Phe (NM_001282902.3); c.1129G>T, p.Val377Phe (NM_001282903.3); c.1111G>T, p.Val371Phe (NM_001330599.2); short protein forms V375F, V384F, V377F, V371F.
Identifiers: ClinVar variation 2953365 (VCV002953365.3), dbSNP rs749563528, ClinGen allele CA4851875.